The following is an entry in ClinVar:

ClinVar aggregate classification (germline): Pathogenic. Review status: criteria provided, multiple submitters, no conflicts (2 of 4 stars). 4 submissions from 4 submitters: Pathogenic (3). 1 of the submissions does not count toward it. Last evaluated 2025-08-22.

Conditions:
Cernunnos-XLF deficiency (IMD124). Also called: NHEJ1 SYNDROME; Severe combined immunodeficiency with sensitivity to ionizing radiation due to NHEJ1 deficiency; SCID, autosomal recessive, T cell-negative, B cell-negative, NK cell-positive, and sensitivity to ionizing radiation due to NHEJ1 deficiency; IMMUNODEFICIENCY 124, SEVERE COMBINED; SCID, AUTOSOMAL RECESSIVE, T CELL-NEGATIVE, B CELL-NEGATIVE, NK CELL-POSITIVE, WITH MICROCEPHALY, GROWTH RETARDATION, AND SENSITIVITY TO IONIZING RADIATION. Identifiers: Orphanet 169079, MedGen C1969799, MONDO:0012650, OMIM 611291.

Allele frequency attached by ClinVar (database versions not stated): TOPMed 0.00002.
gnomAD v4.1: 16 of 1,607,568 alleles (0.001%); highest among the groups gnomAD compares: Middle Eastern, 0.017%; no homozygotes.

Submissions (4):

Genetic Diagnosis Centre, Dr. Behcet Uz Children's Hospital
Classification: Pathogenic for Cernunnos-XLF deficiency. Last evaluated: 2025-08-22. Review status: criteria provided, single submitter. Criteria: ACMG Guidelines, 2015. Collection method: clinical testing. Allele origin: germline. Inheritance: Autosomal recessive inheritance. Affected: yes. Observed: 1 homozygote.
Comment: Classified as Pathogenic based on the following ACMG criteria: PM2 (absent from population databases), PM3 (For recessive disorders, detected in trans with a pathogenic variant, or in a homozygous or compound heterozygous state in affected cases) and PVS1(Null variant in a gene where loss of function is a known mechanism of disease).

Labcorp Genetics (formerly Invitae), Labcorp
Classification: Pathogenic for Cernunnos-XLF deficiency. Last evaluated: 2023-12-25. Review status: criteria provided, single submitter. Criteria: Invitae Variant Classification Sherloc (09022015). Collection method: clinical testing. Allele origin: germline.
Comment: This sequence change creates a premature translational stop signal (p.Arg178*) in the NHEJ1 gene. It is expected to result in an absent or disrupted protein product. Loss-of-function variants in NHEJ1 are known to be pathogenic (PMID: 16439204, 20597108). This variant is present in population databases (rs118204453, gnomAD 0.003%). This premature translational stop signal has been observed in individual(s) with NHEJ1-related conditions (PMID: 16439204, 21721379). ClinVar contains an entry for this variant (Variation ID: 983). For these reasons, this variant has been classified as Pathogenic.

GeneDx
Classification: Pathogenic. Last evaluated: 2022-09-06. Review status: criteria provided, single submitter. Criteria: GeneDx Variant Classification Process June 2021. Collection method: clinical testing. Allele origin: germline. Affected: yes.
Comment: Nonsense variant predicted to result in protein truncation or nonsense mediated decay in a gene for which loss of function is a known mechanism of disease; This variant is associated with the following publications: (PMID: 24780557, 20597108, 21721379, 25525159, 16439204, 27281794, 24511403, 30898087, 30503522, 32482412, 32445296, 32888943, 33888552, 28729231, 30291363, 28211887, 35656589, 35303369, 28369633, 32265901)

OMIM
Classification: Pathogenic for IMMUNODEFICIENCY 124, SEVERE COMBINED. Last evaluated: 2006-01-27. Review status: no assertion criteria provided. Collection method: literature only. Allele origin: germline. Not counted in ClinVar's aggregate classification.

Literature cited by the submitters: PubMed 20597108 (cited by Genetic Diagnosis Centre, Dr. Behcet Uz Children's Hospital and Labcorp Genetics (formerly Invitae), Labcorp); PubMed 37703920 (cited by Genetic Diagnosis Centre, Dr. Behcet Uz Children's Hospital and OMIM); PubMed 33888552 (cited by Genetic Diagnosis Centre, Dr. Behcet Uz Children's Hospital); PubMed 16439204 (cited by Labcorp Genetics (formerly Invitae), Labcorp and OMIM); PubMed 21721379 (cited by Labcorp Genetics (formerly Invitae), Labcorp).

NM_024782.3(NHEJ1):c.532C>T (p.Arg178Ter)

Gene: NHEJ1 (non-homologous end joining factor 1; minus strand). Cytogenetic location: 2q35.
Variant type: single nucleotide variant.
Coding change: c.532C>T on transcript NM_024782.3 (MANE Select); coding-DNA position 532, C replaced by T.
Protein change: p.Arg178Ter; replaces arginine 178 with a stop codon.
Molecular consequence: nonsense. On other transcripts: non-coding transcript variant (1).
Genome position (GRCh38, 1-based): chr2:219,146,736, G>A on the plus strand (C>T on the coding strand, the complement: NHEJ1 is on the minus strand). VCF-style: chr2-219146736-G-A. GRCh37 (hg19) VCF-style: chr2-220011458-G-A.
Other names: ENST00000426304.1 c.292C>T | p.Arg98*; c.532C>T, p.Arg178Ter (NM_001377498.1, NM_001377499.1); short protein forms R178*.
Identifiers: ClinVar variation 983 (VCV000000983.10), dbSNP rs118204453, ClinGen allele CA114692.
Genomic context (GRCh38, chr2:219,146,736, plus strand): 5'-TTACCTCTATCATAAATTGTTCCAAGAAGGAATTTTCTTCAAATGGTTCTGTCTTCAATC[G>A]ATCTGTAATAAGAAGGATCAGAAAAAAGAAATATGAGTCATACAGGATGAGTTTCTTACC-3'